The following is an entry in ClinVar:

NM_015895.5(GMNN):c.288_289del (p.Gln97fs)

Gene: GMNN (geminin DNA replication inhibitor; plus strand). Cytogenetic location: 6p22.3.
Variant type: Microsatellite.
Coding change: c.288_289del on transcript NM_015895.5 (MANE Select); coding-DNA positions 288 to 289, 2 bases deleted (TC; older notation c.288_289delTC).
Protein change: p.Gln97fs; shifts the reading frame from glutamine 97.
Molecular consequence: frameshift variant.
Genome position (GRCh38, 1-based): chr6:24,784,100-24,784,101, TC deleted; deleting any 2 consecutive bases within chr6:24,784,097-24,784,101 gives the same sequence; the c. name uses the placement nearest the transcript's 3' end. VCF-style (leftmost placement, unchanged base first): chr6-24784096-CCT-C. GRCh37 (hg19) VCF-style: chr6-24784324-CCT-C.
Other names: c.288_289del, p.Gln97fs (NM_001251989.2, NM_001251990.2, NM_001251991.1); short protein forms Q97fs.
Identifiers: ClinVar variation 3610025 (VCV003610025.2).
Genomic context (GRCh38, chr6:24,784,096, plus strand): 5'-TGGGTTTTGACAGTAATGATTTTTAAAGTTATATTTAAAATATTATTTTAGAAAATCCAT[CCT>C]CTCAGTATTGGAAGGAAGTGGCAGAAAAACGGAGAAAGGCGCTGTATGAAGCACTTAAGG-3'

ClinVar aggregate classification (germline): Uncertain significance (1 of 4 stars; one submission).

Submission:

Labcorp Genetics (formerly Invitae), Labcorp
Classification: Uncertain significance. Last evaluated: 2024-08-22. Review status: criteria provided, single submitter. Criteria: Invitae Variant Classification Sherloc (09022015). Collection method: clinical testing. Allele origin: germline.
Comment: This sequence change creates a premature translational stop signal (p.Gln97Valfs*15) in the GMNN gene. It is expected to result in an absent or disrupted protein product. However, the current clinical and genetic evidence is not sufficient to establish whether loss-of-function variants in GMNN cause disease. This variant is present in population databases (no rsID available, gnomAD 0.007%). This variant has not been reported in the literature in individuals affected with GMNN-related conditions. In summary, the available evidence is currently insufficient to determine the role of this variant in disease. Therefore, it has been classified as a Variant of Uncertain Significance.